The following is an entry in ClinVar:

ClinVar aggregate classification (germline): Uncertain significance. Review status: criteria provided, multiple submitters, no conflicts (2 of 4 stars). 2 submissions from 2 submitters: Uncertain significance (2). Last evaluated 2025-09-29.

Conditions:
Inborn genetic diseases. Identifiers: MedGen C0950123, MeSH D030342.

Allele frequency attached by ClinVar (database versions not stated): gnomAD 0.00017; gnomAD exomes 0.00002; ExAC 0.00003; 1000 Genomes Project 0.00020; ESP Exome Variant Server 0.00015; 1000 Genomes Project 30x 0.00016; TOPMed 0.00020.

Submissions (2):

Ambry Genetics
Classification: Uncertain significance for Inborn genetic diseases. Last evaluated: 2025-09-29. Review status: criteria provided, single submitter. Criteria: Ambry Variant Classification Scheme 2023. Collection method: clinical testing. Allele origin: germline.

Dasa
Classification: Uncertain significance. Last evaluated: 2025-05-02. Review status: criteria provided, single submitter. Criteria: DASA Assertion Criteria. Collection method: clinical testing. Allele origin: germline.
Comment: NM_018480.7(TMEM126B):c.332C>T (p.Ala111Val) is a missense variant that results in the substitution of alanine with valine. This variant is rare in population databases. Computational prediction algorithms are consistent with a benign effect. The currently available literature and clinical evidence are not sufficient to establish a definitive association between this variant and the reported condition. Therefore, this variant is classified as a variant of uncertain significance.

NM_018480.7(TMEM126B):c.332C>T (p.Ala111Val)

Gene: TMEM126B (transmembrane protein 126B; plus strand). Cytogenetic location: 11q14.1.
Variant type: single nucleotide variant.
Coding change: c.332C>T on transcript NM_018480.7 (MANE Select); coding-DNA position 332, C replaced by T.
Protein change: p.Ala111Val; replaces alanine 111 with valine.
Molecular consequence: missense variant. On other transcripts: intron variant (1).
Genome position (GRCh38, 1-based): chr11:85,634,214, C>T. VCF-style: chr11-85634214-C-T. GRCh37 (hg19) VCF-style: chr11-85345258-C-T.
Other names: c.272C>T, p.Ala91Val (NM_001193537.3, NM_001350395.2); c.242C>T, p.Ala81Val (NM_001193538.3, NM_001256546.2, NM_001350396.2); c.194C>T, p.Ala65Val (NM_001256547.2); c.332C>T, p.Ala111Val (NM_001350394.2); c.172+38C>T (NM_001350393.1); short protein forms A65V, A81V, A91V, A111V.
Identifiers: ClinVar variation 2344727 (VCV002344727.5), dbSNP rs141929525, ClinGen allele CA6212465.